The following is an entry in ClinVar:

NC_000007.14:g.156789471C>T

Genes: LMBR1 (limb development membrane protein 1; minus strand), SHH (sonic hedgehog signaling molecule; minus strand). Cytogenetic location: 7q36.3.
Variant type: single nucleotide variant.
Molecular consequence: intron variant (on NM_022458.4).
Genome position: GRCh38 VCF-style: chr7-156789471-C-T. GRCh37 (hg19) VCF-style: chr7-156582165-C-T.
Other names: c.360+6918G>A (NM_001363412.2); c.144+6918G>A (NM_001350954.2); c.423+6918G>A (NM_001363410.2, NM_022458.4, NM_001363409.2 and 1 more transcripts); c.-112+6918G>A (NM_001350958.2, NM_001350956.2, NM_001350955.2 and 1 more transcripts); c.54+6918G>A (NM_001350957.2, NM_001363411.2).
Identifiers: ClinVar variation 1391708 (VCV001391708.1), dbSNP rs1000223232, ClinGen allele CA169823272.
Genomic context (GRCh38, chr7:156,789,471, plus strand): 5'-AGTAGATTTATCACAGGCTAAAATATTACCTAACGTCAAACTATCAAACAATCTTACTGC[C>T]TTTGATGTGTATAAATACACAACTTCTATTTCTGGTATACTAAATGACAAATAAATGGAC-3'

ClinVar aggregate classification (germline): Uncertain significance (1 of 4 stars; one submission).

Conditions:
Holoprosencephaly 3 (HPE3). Identifiers: Orphanet 2162, MedGen C1840529, MONDO:0007733, OMIM 142945.

Allele frequency attached by ClinVar (database versions not stated): TOPMed 0.00001.

Submission:

Labcorp Genetics (formerly Invitae), Labcorp
Classification: Uncertain significance for Holoprosencephaly 3. Last evaluated: 2021-11-06. Review status: criteria provided, single submitter. Criteria: Invitae Variant Classification Sherloc (09022015). Collection method: clinical testing. Allele origin: germline.
Comment: This variant occurs in a non-coding region of the SHH gene. It does not change the encoded amino acid sequence of the SHH protein. This variant is not present in population databases (gnomAD no frequency). This variant has not been reported in the literature in individuals affected with SHH-related conditions. Experimental studies and prediction algorithms are not available or were not evaluated, and the functional significance of this variant is currently unknown. In summary, the available evidence is currently insufficient to determine the role of this variant in disease. Therefore, it has been classified as a Variant of Uncertain Significance.